The following is an entry in ClinVar:

NM_006084.5(IRF9):c.823C>G (p.Leu275Val)

Gene: IRF9 (interferon regulatory factor 9; plus strand). Cytogenetic location: 14q12.
Variant type: single nucleotide variant.
Coding change: c.823C>G on transcript NM_006084.5 (MANE Select); coding-DNA position 823, C replaced by G.
Protein change: p.Leu275Val; replaces leucine 275 with valine.
Molecular consequence: missense variant. On other transcripts: intron variant (1).
Genome position (GRCh38, 1-based): chr14:24,164,787, C>G. VCF-style: chr14-24164787-C-G. GRCh37 (hg19) VCF-style: chr14-24633996-C-G.
Other names: c.850C>G, p.Leu284Val (NM_001385400.1, NM_001385401.1); c.650-90C>G (NM_001385402.1); short protein forms L275V, L284V.
Identifiers: ClinVar variation 1486104 (VCV001486104.6), dbSNP rs1292312991, ClinGen allele CA389209052.

ClinVar aggregate classification (germline): Uncertain significance (1 of 4 stars; one submission).

Allele frequency attached by ClinVar (database versions not stated): gnomAD exomes below 0.00001; TOPMed below 0.00001.
gnomAD v4.1: 2 of 1,610,608 alleles (0.00012%); highest among the groups gnomAD compares: Non-Finnish European, 0.00017%; no homozygotes.

Submission:

Labcorp Genetics (formerly Invitae), Labcorp
Classification: Uncertain significance. Last evaluated: 2024-06-22. Review status: criteria provided, single submitter. Criteria: Invitae Variant Classification Sherloc (09022015). Collection method: clinical testing. Allele origin: germline.
Comment: This sequence change replaces leucine, which is neutral and non-polar, with valine, which is neutral and non-polar, at codon 275 of the IRF9 protein (p.Leu275Val). This variant is present in population databases (no rsID available, gnomAD 0.0009%). This variant has not been reported in the literature in individuals affected with IRF9-related conditions. ClinVar contains an entry for this variant (Variation ID: 1486104). An algorithm developed to predict the effect of missense changes on protein structure and function (PolyPhen-2) suggests that this variant is likely to be disruptive. In summary, the available evidence is currently insufficient to determine the role of this variant in disease. Therefore, it has been classified as a Variant of Uncertain Significance.